The following is an entry in ClinVar:

ClinVar aggregate classification (germline): Likely benign. Review status: criteria provided, multiple submitters, no conflicts (2 of 4 stars). 2 submissions from 2 submitters: Likely benign (2). Last evaluated 2025-11-15.

Conditions:
IFT140-related disorder. Also called: IFT140-related condition.
Saldino-Mainzer syndrome (SRTD9). Also called: SHORT-RIB THORACIC DYSPLASIA 9 WITHOUT POLYDACTYLY; Renal dysplasia, retinal pigmentary dystrophy, cerebellar ataxia and skeletal dysplasia; CONORENAL SYNDROME; short-rib thoracic dysplasia 9 with or without polydactyly. Identifiers: Orphanet 140969, MedGen C1849437, MONDO:0009964, OMIM 266920.

Allele frequency attached by ClinVar (database versions not stated): ExAC 0.00002; gnomAD exomes 0.00002 and 0.00004; TOPMed 0.00003; gnomAD 0.00006.
gnomAD v4.1: 73 of 1,614,116 alleles (0.0045%); highest among the groups gnomAD compares: Non-Finnish European, 0.0056%; no homozygotes.

Submissions (2):

Labcorp Genetics (formerly Invitae), Labcorp
Classification: Likely benign for Saldino-Mainzer syndrome. Last evaluated: 2025-11-15. Review status: criteria provided, single submitter. Criteria: Invitae Variant Classification Sherloc (09022015). Collection method: clinical testing. Allele origin: germline.

PreventionGenetics, part of Exact Sciences
Classification: Likely benign for IFT140-related condition. Last evaluated: 2024-10-28. Review status: criteria provided, single submitter. Criteria: ACMG Guidelines, 2015. Collection method: clinical testing. Allele origin: germline.
Comment: This variant is classified as likely benign based on ACMG/AMP sequence variant interpretation guidelines (Richards et al. 2015 PMID: 25741868, with internal and published modifications).

NM_014714.4(IFT140):c.4131C>T (p.Asp1377=)

Gene: IFT140 (intraflagellar transport 140; minus strand). Cytogenetic location: 16p13.3.
Variant type: single nucleotide variant.
Coding change: c.4131C>T on transcript NM_014714.4 (MANE Select); coding-DNA position 4131, C replaced by T.
Protein change: p.Asp1377=; no amino-acid change (aspartic acid 1377 retained).
Molecular consequence: synonymous variant.
Genome position (GRCh38, 1-based): chr16:1,518,267, G>A on the plus strand (C>T on the coding strand, the complement: IFT140 is on the minus strand). VCF-style: chr16-1518267-G-A. GRCh37 (hg19) VCF-style: chr16-1568268-G-A.
Other names: c.4131C>T (NM_014714.3).
Identifiers: ClinVar variation 1538801 (VCV001538801.9), dbSNP rs751862515, ClinGen allele CA7812896.